The following is an entry in ClinVar:

NM_001110556.2(FLNA):c.4045G>A (p.Val1349Met)

Gene: FLNA (filamin A; minus strand). Cytogenetic location: Xq28.
Variant type: single nucleotide variant.
Coding change: c.4045G>A on transcript NM_001110556.2 (MANE Select); coding-DNA position 4045, G replaced by A.
Protein change: p.Val1349Met; replaces valine 1349 with methionine.
Molecular consequence: missense variant.
Genome position (GRCh38, 1-based): chrX:154,359,581, C>T on the plus strand (G>A on the coding strand, the complement: FLNA is on the minus strand). VCF-style: chrX-154359581-C-T. GRCh37 (hg19) VCF-style: chrX-153587949-C-T.
Other names: c.4045G>A, p.Val1349Met (NM_001456.4); short protein forms V1349M.
Identifiers: ClinVar variation 4882282 (VCV004882282.2).

ClinVar aggregate classification (germline): Uncertain significance (1 of 4 stars; one submission).

Submission:

Dasa
Classification: Uncertain significance. Last evaluated: 2025-08-29. Review status: criteria provided, single submitter. Criteria: DASA Assertion Criteria. Collection method: clinical testing. Allele origin: germline.
Comment: NM_001110556.2(FLNA):c.4045G>A (p.Val1349Met) is a missense variant that results in the substitution of valine with methionine. This variant is rare in population databases. Computational prediction algorithms are consistent with a deleterious effect. The currently available literature and clinical evidence are not sufficient to establish a definitive association between this variant and the reported condition. Therefore, this variant is classified as a variant of uncertain significance.